The following is an entry in ClinVar:

NM_001365536.1(SCN9A):c.5750T>C (p.Ile1917Thr)

Genes: SCN1A-AS1 (SCN1A and SCN9A antisense RNA 1; plus strand), SCN9A (sodium voltage-gated channel alpha subunit 9; minus strand). Cytogenetic location: 2q24.3.
Variant type: single nucleotide variant.
Coding change: c.5750T>C on transcript NM_001365536.1 (MANE Select); coding-DNA position 5750, T replaced by C.
Protein change: p.Ile1917Thr; replaces isoleucine 1917 with threonine.
Molecular consequence: missense variant.
Genome position (GRCh38, 1-based): chr2:166,198,889, A>G on the plus strand (T>C on the coding strand, the complement: SCN9A is on the minus strand). VCF-style: chr2-166198889-A-G. GRCh37 (hg19) VCF-style: chr2-167055399-A-G.
Other names: c.5717T>C, p.Ile1906Thr (NM_002977.4); short protein forms I1917T.
Identifiers: ClinVar variation 94091 (VCV000094091.16), dbSNP rs200876442, ClinGen allele CA221954.

ClinVar aggregate classification (germline): Uncertain significance. Review status: criteria provided, multiple submitters, no conflicts (2 of 4 stars). 5 submissions from 5 submitters: Uncertain significance (5). Last evaluated 2026-01-12.

Conditions:
Generalized epilepsy with febrile seizures plus, type 7 (GEFSP7). Also called: GEFS+, TYPE 7. Identifiers: Orphanet 36387, MedGen C2751778, MONDO:0013470, OMIM 613863.
Neuropathy, hereditary sensory and autonomic, type 2A (HSAN2A). Also called: NEUROPATHY, CONGENITAL SENSORY; NEUROPATHY, HEREDITARY SENSORY RADICULAR, AUTOSOMAL RECESSIVE; NEUROPATHY, HEREDITARY SENSORY, TYPE IIA; NEUROPATHY, PROGRESSIVE SENSORY, OF CHILDREN; WNK1-Related HSAN2 (HSAN2A); ACROOSTEOLYSIS, GIACCAI TYPE. Identifiers: Orphanet 970, MedGen C2752089, MONDO:0024309, OMIM 201300.
SCN9A-related disorder. Also called: SCN9A-related disorders; SCN9A-related condition.
Primary erythromelalgia. Also called: SCN9A Erythromelalgia (SCN9A-EM); primary erythermalgia. Identifiers: Orphanet 306577, Orphanet 90026, MedGen C0014805, MONDO:0007571, OMIM 133020.

Allele frequency attached by ClinVar (database versions not stated): gnomAD exomes 0.00001; gnomAD 0.00001.
gnomAD v4.1: 8 of 1,613,456 alleles (0.0005%); highest among the groups gnomAD compares: Non-Finnish European, 0.00068%; no homozygotes.

Submissions (5):

PreventionGenetics, part of Exact Sciences
Classification: Uncertain significance for SCN9A-related condition. Last evaluated: 2026-01-12. Review status: criteria provided, single submitter. Criteria: ACMG Guidelines, 2015. Collection method: clinical testing. Allele origin: germline.
Comment: The SCN9A c.5717T>C variant is predicted to result in the amino acid substitution p.Ile1906Thr. To our knowledge, this variant has not been reported in the literature. This variant is reported in 0.0018% of alleles in individuals of European (Non-Finnish) descent in gnomAD. At this time, the clinical significance of this variant is uncertain due to the absence of conclusive functional and genetic evidence.

Labcorp Genetics (formerly Invitae), Labcorp
Classification: Uncertain significance for Neuropathy, hereditary sensory and autonomic, type 2A; Generalized epilepsy with febrile seizures plus, type 7. Last evaluated: 2025-11-03. Review status: criteria provided, single submitter. Criteria: Invitae Variant Classification Sherloc (09022015). Collection method: clinical testing. Allele origin: germline.
Comment: This sequence change replaces isoleucine, which is neutral and non-polar, with threonine, which is neutral and polar, at codon 1906 of the SCN9A protein (p.Ile1906Thr). This variant is present in population databases (rs200876442, gnomAD 0.002%). This variant has not been reported in the literature in individuals affected with SCN9A-related conditions. ClinVar contains an entry for this variant (Variation ID: 94091). Invitae Evidence Modeling of protein sequence and biophysical properties (such as structural, functional, and spatial information, amino acid conservation, physicochemical variation, residue mobility, and thermodynamic stability) indicates that this missense variant is not expected to disrupt SCN9A protein function with a negative predictive value of 95%. In summary, the available evidence is currently insufficient to determine the role of this variant in disease. Therefore, it has been classified as a Variant of Uncertain Significance.

Human Genetics Bochum, Ruhr University Bochum
Classification: Uncertain significance for Primary erythromelalgia. Last evaluated: 2023-03-09. Review status: criteria provided, single submitter. Criteria: ACMG Guidelines, 2015. Collection method: clinical testing. Allele origin: germline. Affected: yes.
Comment: ACMG criteria used to clasify this variant: PP3_MOD

Baylor Genetics
Classification: Uncertain significance for Generalized epilepsy with febrile seizures plus, type 7. Last evaluated: 2020-07-08. Review status: criteria provided, single submitter. Criteria: ACMG Guidelines, 2015. Collection method: clinical testing. Allele origin: unknown. Affected: yes.
Comment: This variant was determined to be of uncertain significance according to ACMG Guidelines, 2015 [PMID:25741868].

Eurofins Ntd Llc (ga)
Classification: Uncertain significance. Last evaluated: 2013-11-12. Review status: criteria provided, single submitter. Criteria: EGL Classification Definitions 2015. Collection method: clinical testing. Allele origin: germline. Observed: 2 variant alleles, 2 heterozygotes.